The following is an entry in ClinVar:

NM_003640.5(ELP1):c.1247dup (p.Tyr416Ter)

Gene: ELP1 (elongator acetyltransferase complex subunit 1; minus strand). Cytogenetic location: 9q31.3.
Variant type: Duplication.
Coding change: c.1247dup on transcript NM_003640.5 (MANE Select); coding-DNA position 1247, one base duplicated (A; older notation c.1247dupA).
Protein change: p.Tyr416Ter; replaces tyrosine 416 with a stop codon.
Molecular consequence: nonsense.
Genome position (GRCh38, 1-based): chr9:108,911,123, T duplicated on the plus strand (A on the coding strand, the reverse complement: ELP1 is on the minus strand). VCF-style (leftmost placement, unchanged base first): chr9-108911122-G-GT. GRCh37 (hg19) VCF-style: chr9-111673402-G-GT.
Other names: c.1247dupA (NM_003640.4); c.905dup, p.Tyr302Ter (NM_001318360.2); c.200dup, p.Tyr67Ter (NM_001330749.2); short protein forms Y416*, Y67*, Y302*.
Identifiers: ClinVar variation 2118355 (VCV002118355.5), dbSNP rs749596892, ClinGen allele CA5175071.
Genomic context (GRCh38, chr9:108,911,122, plus strand): 5'-ACTCTTTTGAGGGTGTGCTAAGAATGTGACTTGATTCACAGGGTGTGGGAACAGCAGTTG[G>GT]TAGGTGCACATGGGAGGCGGAACCACAGTCTGCCGGAAGACTGTCACCAACACCCTGTCT-3'

ClinVar aggregate classification (germline): Pathogenic/Likely pathogenic. Review status: criteria provided, multiple submitters, no conflicts (2 of 4 stars). 2 submissions from 2 submitters: Pathogenic (1); Likely pathogenic (1). Last evaluated 2025-09-15.

Conditions:
Familial dysautonomia. Also called: HSAN III; FD. Identifiers: Orphanet 1764, MedGen C0013364, MONDO:0009131, OMIM 223900. Disease mechanism: loss of function.

Allele frequency attached by ClinVar (database versions not stated): gnomAD exomes below 0.00001; ExAC 0.00001.

Submissions (2):

Natera, Inc.
Classification: Likely pathogenic for Familial dysautonomia. Last evaluated: 2025-09-15. Review status: criteria provided, single submitter. Criteria: Natera Variant Classification Schema (03/2026). Collection method: clinical testing. Allele origin: germline.
Comment: The c.1247dupA variant in ELP1 is a frameshift variant predicted to shift the reading frame and introduce a stop codon. This variant is expected to result in nonsense mediated decay, truncation, or a dysfunctional protein product. This variant is rare in the general population with a frequency below the threshold expected for the associated phenotype(s). Given the available evidence, this variant is classified as Likely Pathogenic.

Labcorp Genetics (formerly Invitae), Labcorp
Classification: Pathogenic. Last evaluated: 2022-03-27. Review status: criteria provided, single submitter. Criteria: Invitae Variant Classification Sherloc (09022015). Collection method: clinical testing. Allele origin: germline.
Comment: For these reasons, this variant has been classified as Pathogenic. This variant has not been reported in the literature in individuals affected with ELP1-related conditions. This sequence change creates a premature translational stop signal (p.Tyr416*) in the ELP1 gene. It is expected to result in an absent or disrupted protein product. Loss-of-function variants in ELP1 are known to be pathogenic (PMID: 18303054, 24173031). This variant is present in population databases (rs749596892, gnomAD 0.007%).

Literature cited by the submitters: PubMed 18303054 (cited by Labcorp Genetics (formerly Invitae), Labcorp); PubMed 24173031 (cited by Labcorp Genetics (formerly Invitae), Labcorp).